The following is an entry in ClinVar:

ClinVar aggregate classification (germline): Uncertain significance (1 of 4 stars; one submission).

Conditions:
Loeys-Dietz syndrome (LDS). Identifiers: Orphanet 60030, MedGen C2697932, MONDO:0018954.

Submission:

All of Us Research Program, National Institutes of Health
Classification: Uncertain significance for Loeys-Dietz syndrome. Last evaluated: 2023-05-04. Review status: criteria provided, single submitter. Criteria: ACMG Guidelines, 2015. Collection method: clinical testing. Allele origin: germline. Inheritance: Autosomal dominant inheritance. Observed: 1 variant allele, 1 heterozygote.
Comment: This variant inserts 1 nucleotide in exon 2 of the TGFBR1 gene, creating a frameshift and premature translation stop signal. This variant is expected to result in an absent or non-functional protein product. To our knowledge, this variant has not been reported in individuals affected with TGFBR1-related disorders in the literature. This variant has not been identified in the general population by the Genome Aggregation Database (gnomAD). The role of loss-of-function TGFBR1 truncation and splice variants in autosomal dominant cardiovascular disorders is not clearly established. The available evidence is insufficient to determine the role of this variant in disease conclusively. Therefore, this variant is classified as a Variant of Uncertain Significance.

This study involves interpretation of variants in research participants for the purpose of population health screening. Participant phenotype was not available at the time of variant classification. Additional details can be found in publication PMID: 35346344, PMCID: PMC8962531

NM_004612.4(TGFBR1):c.313dup (p.His105fs)

Gene: TGFBR1 (transforming growth factor beta receptor 1; plus strand). Cytogenetic location: 9q22.33.
Variant type: Duplication.
Coding change: c.313dup on transcript NM_004612.4 (MANE Select); coding-DNA position 313, one base duplicated (C; older notation c.313dupC).
Protein change: p.His105fs; shifts the reading frame from histidine 105.
Molecular consequence: frameshift variant. On other transcripts: non-coding transcript variant (4), intron variant (3).
Genome position (GRCh38, 1-based): chr9:99,129,070, C duplicated; the last of 2 consecutive C bases (chr9:99,129,069-99,129,070); duplicating either gives the same sequence. VCF-style (leftmost placement, unchanged base first): chr9-99129068-A-AC. GRCh37 (hg19) VCF-style: chr9-101891350-A-AC.
Other names: c.313dup, p.His105fs (NM_001130916.3, NM_001306210.2, NM_001407416.1 and 2 more transcripts); c.106dup, p.His36fs (NM_001407418.1, NM_001407419.1, NM_001407420.1 and 12 more transcripts); c.98-3439dup (NM_001407436.1); c.98-8789dup (NM_001407438.1); c.98-13466dup (NM_001407437.1); short protein forms H105fs, H36fs.
Identifiers: ClinVar variation 3070787 (VCV003070787.1), dbSNP rs2490111048, ClinGen allele CA2825001657.